The following is an entry in ClinVar:

ClinVar aggregate classification (germline): Uncertain significance (1 of 4 stars; one submission).

Conditions:
Fanconi anemia (FA). Also called: Fanconi's anemia. Identifiers: Orphanet 84, MedGen C0015625, MeSH D005199, MONDO:0019391.

Allele frequency attached by ClinVar (database versions not stated): TOPMed below 0.00001.
gnomAD v4.1: 6 of 1,613,018 alleles (0.00037%); highest among the groups gnomAD compares: Admixed American, 0.0017%; no homozygotes.

Submission:

Labcorp Genetics (formerly Invitae), Labcorp
Classification: Uncertain significance for Fanconi anemia. Last evaluated: 2022-01-22. Review status: criteria provided, single submitter. Criteria: Invitae Variant Classification Sherloc (09022015). Collection method: clinical testing. Allele origin: germline.
Comment: This variant has not been reported in the literature in individuals affected with SLX4-related conditions. This variant is not present in population databases (gnomAD no frequency). This sequence change replaces serine, which is neutral and polar, with phenylalanine, which is neutral and non-polar, at codon 467 of the SLX4 protein (p.Ser467Phe). Algorithms developed to predict the effect of missense changes on protein structure and function are either unavailable or do not agree on the potential impact of this missense change (SIFT: "Tolerated"; PolyPhen-2: "Possibly Damaging"; Align-GVGD: "Class C0"). In summary, the available evidence is currently insufficient to determine the role of this variant in disease. Therefore, it has been classified as a Variant of Uncertain Significance.

NM_032444.4(SLX4):c.1400C>T (p.Ser467Phe)

Gene: SLX4 (SLX4 structure-specific endonuclease subunit; minus strand). Cytogenetic location: 16p13.3.
Variant type: single nucleotide variant.
Coding change: c.1400C>T on transcript NM_032444.4 (MANE Select); coding-DNA position 1400, C replaced by T.
Protein change: p.Ser467Phe; replaces serine 467 with phenylalanine.
Molecular consequence: missense variant.
Genome position (GRCh38, 1-based): chr16:3,597,662, G>A on the plus strand (C>T on the coding strand, the complement: SLX4 is on the minus strand). VCF-style: chr16-3597662-G-A. GRCh37 (hg19) VCF-style: chr16-3647663-G-A.
Other names: short protein forms S467F.
Identifiers: ClinVar variation 2198065 (VCV002198065.4), dbSNP rs896917989, ClinGen allele CA394529146.
Genomic context (GRCh38, chr16:3,597,662, plus strand): 5'-ACACGGTCCTCTATCTGTCGGCCTGTGGTTTCAGAGTCCTGGACTAACAACAATGGGGGG[G>A]ATACCGGGGGTTTCTTCTTGCGACTTTTATTCTCTAGAGAGAAACAAAAGCGACACCATC-3'
Protein context (NP_115820.2, residues 457-477): NKSRKKKPPV[Ser467Phe]PPLLLVQDSE